The following is an entry in ClinVar:

ClinVar aggregate classification (germline): Uncertain significance. Review status: criteria provided, multiple submitters, no conflicts (2 of 4 stars). 2 submissions from 2 submitters: Uncertain significance (2). Last evaluated 2025-11-06.

Conditions:
Inborn genetic diseases. Identifiers: MedGen C0950123, MeSH D030342.
Nemaline myopathy 8 (NEM8). Also called: Nemaline myopathy 8, autosomal recessive. Identifiers: Orphanet 171430, MedGen C3809209, MONDO:0014138, OMIM 615348.

Allele frequency attached by ClinVar (database versions not stated): gnomAD 0.00001; ESP Exome Variant Server 0.00008; ExAC 0.00001; gnomAD exomes 0.00001; TOPMed 0.00002.
gnomAD v4.1: 14 of 1,613,588 alleles (0.00087%); highest among the groups gnomAD compares: Non-Finnish European, 0.0012%; no homozygotes.

Submissions (2):

Ambry Genetics
Classification: Uncertain significance for Inborn genetic diseases. Last evaluated: 2025-11-06. Review status: criteria provided, single submitter. Criteria: Ambry Variant Classification Scheme 2023. Collection method: clinical testing. Allele origin: germline.

Labcorp Genetics (formerly Invitae), Labcorp
Classification: Uncertain significance for Nemaline myopathy 8. Last evaluated: 2022-04-07. Review status: criteria provided, single submitter. Criteria: Invitae Variant Classification Sherloc (09022015). Collection method: clinical testing. Allele origin: germline.
Comment: This sequence change replaces threonine, which is neutral and polar, with serine, which is neutral and polar, at codon 267 of the KLHL40 protein (p.Thr267Ser). This variant is present in population databases (rs371920842, gnomAD 0.0009%). This variant has not been reported in the literature in individuals affected with KLHL40-related conditions. Algorithms developed to predict the effect of missense changes on protein structure and function (SIFT, PolyPhen-2, Align-GVGD) all suggest that this variant is likely to be tolerated. In summary, the available evidence is currently insufficient to determine the role of this variant in disease. Therefore, it has been classified as a Variant of Uncertain Significance.

NM_152393.4(KLHL40):c.799A>T (p.Thr267Ser)

Gene: KLHL40 (kelch like family member 40; plus strand). Cytogenetic location: 3p22.1.
Variant type: single nucleotide variant.
Coding change: c.799A>T on transcript NM_152393.4 (MANE Select); coding-DNA position 799, A replaced by T.
Protein change: p.Thr267Ser; replaces threonine 267 with serine.
Molecular consequence: missense variant.
Genome position (GRCh38, 1-based): chr3:42,686,417, A>T. VCF-style: chr3-42686417-A-T. GRCh37 (hg19) VCF-style: chr3-42727909-A-T.
Other names: c.799A>T (NM_152393.2); short protein forms T267S.
Identifiers: ClinVar variation 1939928 (VCV001939928.4), dbSNP rs371920842, ClinGen allele CA2336736.
Genomic context (GRCh38, chr3:42,686,417, plus strand): 5'-CAGCCCGAGTTGCTGCGCAAGGTGCAGATGGTGAAGGATGCACACGAGGGCCGCATCACC[A>T]CGCTGCGGAAGAAAAAGAAGGGGAAGGATGGAGCCGGGGCCAAGGAGGCTGATAAGGGCA-3'
Protein context (NP_689606.2, residues 257-277): VKDAHEGRIT[Thr267Ser]LRKKKKGKDG